The following is an entry in ClinVar:

ClinVar aggregate classification (germline): Uncertain significance (1 of 4 stars; one submission).

Allele frequency attached by ClinVar (database versions not stated): gnomAD exomes below 0.00001; ExAC 0.00002.
gnomAD v4.1: 3 of 1,586,882 alleles (0.00019%); highest among the groups gnomAD compares: South Asian, 0.0034%; no homozygotes.

Submission:

Labcorp Genetics (formerly Invitae), Labcorp
Classification: Uncertain significance. Last evaluated: 2022-01-18. Review status: criteria provided, single submitter. Criteria: Invitae Variant Classification Sherloc (09022015). Collection method: clinical testing. Allele origin: germline.
Comment: In summary, the available evidence is currently insufficient to determine the role of this variant in disease. Therefore, it has been classified as a Variant of Uncertain Significance. Variants that disrupt the consensus splice site are a relatively common cause of aberrant splicing (PMID: 17576681, 9536098). Algorithms developed to predict the effect of sequence changes on RNA splicing suggest that this variant is not likely to affect RNA splicing. This variant has not been reported in the literature in individuals affected with CACNA2D4-related conditions. This variant is present in population databases (rs750066308, gnomAD 0.006%). This sequence change falls in intron 25 of the CACNA2D4 gene. It does not directly change the encoded amino acid sequence of the CACNA2D4 protein. It affects a nucleotide within the consensus splice site.

Literature cited by the submitters: PubMed 17576681; PubMed 9536098.

NM_172364.5(CACNA2D4):c.2471-3C>T

Gene: CACNA2D4 (calcium voltage-gated channel auxiliary subunit alpha2delta 4; minus strand). Cytogenetic location: 12p13.33.
Variant type: single nucleotide variant.
Coding change: c.2471-3C>T on transcript NM_172364.5 (MANE Select); 3 bases into the intron before coding-DNA position 2471, C replaced by T.
Molecular consequence: intron variant.
Genome position (GRCh38, 1-based): chr12:1,840,822, G>A on the plus strand (C>T on the coding strand, the complement: CACNA2D4 is on the minus strand). VCF-style: chr12-1840822-G-A. GRCh37 (hg19) VCF-style: chr12-1949988-G-A.
Identifiers: ClinVar variation 2087802 (VCV002087802.4), dbSNP rs750066308, ClinGen allele CA6386671.